The following is an entry in ClinVar:

ClinVar aggregate classification (germline): Pathogenic (1 of 4 stars; one submission).

Conditions:
Tyrosinemia type I (TYRSN1). Also called: HEPATORENAL TYROSINEMIA; Tyrosinemia type 1; Fumarylacetoacetase deficiency; Deficiency of fumarylacetoacetase; FAH DEFICIENCY. Identifiers: Orphanet 882, MedGen C0268490, MONDO:0010161, OMIM 276700. Disease mechanism: loss of function.

Submission:

Labcorp Genetics (formerly Invitae), Labcorp
Classification: Pathogenic for Tyrosinemia type I. Last evaluated: 2022-01-16. Review status: criteria provided, single submitter. Criteria: Invitae Variant Classification Sherloc (09022015). Collection method: clinical testing. Allele origin: germline.
Comment: For these reasons, this variant has been classified as Pathogenic. This sequence change creates a premature translational stop signal (p.Gly74Valfs*18) in the FAH gene. It is expected to result in an absent or disrupted protein product. Loss-of-function variants in FAH are known to be pathogenic (PMID: 9101289, 9633815). This variant is not present in population databases (gnomAD no frequency). This variant has not been reported in the literature in individuals affected with FAH-related conditions. ClinVar contains an entry for this variant (Variation ID: 862144). Algorithms developed to predict the effect of sequence changes on RNA splicing suggest that this variant may create or strengthen a splice site.

Literature cited by the submitters: PubMed 9101289; PubMed 9633815.

NM_000137.4(FAH):c.221del (p.Gly74fs)

Gene: FAH (fumarylacetoacetate hydrolase; plus strand). Cytogenetic location: 15q25.1.
Variant type: Deletion.
Coding change: c.221del on transcript NM_000137.4 (MANE Select); coding-DNA position 221, one base deleted (G; older notation c.221delG).
Protein change: p.Gly74fs; shifts the reading frame from glycine 74.
Molecular consequence: frameshift variant.
Genome position (GRCh38, 1-based): chr15:80,159,784, G deleted; the last of 3 consecutive G bases (chr15:80,159,782-80,159,784); deleting any one gives the same sequence. VCF-style (leftmost placement, unchanged base first): chr15-80159781-TG-T. GRCh37 (hg19) VCF-style: chr15-80452123-TG-T.
Other names: c.221del, p.Gly74fs (NM_001374377.1, NM_001374380.1); short protein forms G74fs.
Identifiers: ClinVar variation 862144 (VCV000862144.7), dbSNP rs2041131954, ClinGen allele CA916083444.